The following is an entry in ClinVar:

NM_017534.6(MYH2):c.1815T>A (p.Asn605Lys)

Genes: MYH2 (myosin heavy chain 2; minus strand), MYHAS (myosin heavy chain gene cluster antisense RNA; plus strand). Cytogenetic location: 17p13.1.
Variant type: single nucleotide variant.
Coding change: c.1815T>A on transcript NM_017534.6 (MANE Select); coding-DNA position 1815, T replaced by A.
Protein change: p.Asn605Lys; replaces asparagine 605 with lysine.
Molecular consequence: missense variant.
Genome position (GRCh38, 1-based): chr17:10,537,315, A>T on the plus strand (T>A on the coding strand, the complement: MYH2 is on the minus strand). VCF-style: chr17-10537315-A-T. GRCh37 (hg19) VCF-style: chr17-10440632-A-T.
Other names: c.1815T>A, p.Asn605Lys (NM_001100112.2); short protein forms N605K.
Identifiers: ClinVar variation 3695512 (VCV003695512.2).

ClinVar aggregate classification (germline): Uncertain significance (1 of 4 stars; one submission).

Conditions:
Myopathy, proximal, and ophthalmoplegia (CMYO6). Also called: CONGENITAL MYOPATHY 6 WITH OPHTHALMOPLEGIA; MYOPATHY WITH CONGENITAL JOINT CONTRACTURES, OPHTHALMOPLEGIA, AND RIMMED VACUOLES; INCLUSION BODY MYOPATHY 3, AUTOSOMAL DOMINANT. Identifiers: Orphanet 363677, Orphanet 79091, MedGen C1854106, MONDO:0011577, OMIM 605637.

Submission:

Labcorp Genetics (formerly Invitae), Labcorp
Classification: Uncertain significance for Myopathy, proximal, and ophthalmoplegia. Last evaluated: 2024-03-07. Review status: criteria provided, single submitter. Criteria: Invitae Variant Classification Sherloc (09022015). Collection method: clinical testing. Allele origin: germline.
Comment: This sequence change replaces asparagine, which is neutral and polar, with lysine, which is basic and polar, at codon 605 of the MYH2 protein (p.Asn605Lys). This variant is not present in population databases (gnomAD no frequency). This variant has not been reported in the literature in individuals affected with MYH2-related conditions. Advanced modeling of protein sequence and biophysical properties (such as structural, functional, and spatial information, amino acid conservation, physicochemical variation, residue mobility, and thermodynamic stability) performed at Invitae indicates that this missense variant is expected to disrupt MYH2 protein function with a positive predictive value of 80%. In summary, the available evidence is currently insufficient to determine the role of this variant in disease. Therefore, it has been classified as a Variant of Uncertain Significance.